The following is an entry in ClinVar:

NM_000350.3(ABCA4):c.442+2T>A

Gene: ABCA4 (ATP binding cassette subfamily A member 4; minus strand). Cytogenetic location: 1p22.1.
Variant type: single nucleotide variant.
Coding change: c.442+2T>A on transcript NM_000350.3 (MANE Select); the canonical splice donor site of the intron after coding-DNA position 442, T replaced by A.
Molecular consequence: splice donor variant.
Genome position (GRCh38, 1-based): chr1:94,108,575, A>T on the plus strand (T>A on the coding strand, the complement: ABCA4 is on the minus strand). VCF-style: chr1-94108575-A-T. GRCh37 (hg19) VCF-style: chr1-94574131-A-T.
Identifiers: ClinVar variation 1065733 (VCV001065733.6), dbSNP rs1662504014, ClinGen allele CA341292944.

ClinVar aggregate classification (germline): Pathogenic/Likely pathogenic. Review status: criteria provided, multiple submitters, no conflicts (2 of 4 stars). 2 submissions from 2 submitters: Pathogenic (1); Likely pathogenic (1). Last evaluated 2024-10-25.

Conditions:
Severe early-childhood-onset retinal dystrophy (STGD1). Also called: STGD; Stargardt macular dystrophy; Juvenile onset macular degeneration; Stargardt disease 1; MACULAR DYSTROPHY WITH FLECKS, TYPE 1. Identifiers: Orphanet 364055, Orphanet 827, MedGen C1855465, MeSH D000080362, MONDO:0009549, OMIM 248200.

Allele frequency attached by ClinVar (database versions not stated): gnomAD exomes below 0.00001; TOPMed below 0.00001.
gnomAD v4.1: 1 of 1,613,382 alleles (0.000062%); highest among the groups gnomAD compares: Admixed American, 0.0017%; no homozygotes.

Submissions (2):

Labcorp Genetics (formerly Invitae), Labcorp
Classification: Pathogenic. Last evaluated: 2024-10-25. Review status: criteria provided, single submitter. Criteria: Invitae Variant Classification Sherloc (09022015). Collection method: clinical testing. Allele origin: germline.
Comment: This sequence change affects a donor splice site in intron 4 of the ABCA4 gene. It is expected to disrupt RNA splicing. Variants that disrupt the donor or acceptor splice site typically lead to a loss of protein function (PMID: 16199547), and loss-of-function variants in ABCA4 are known to be pathogenic (PMID: 10958761, 24938718, 25312043, 26780318). This variant is not present in population databases (gnomAD no frequency). Disruption of this splice site has been observed in individuals with ABCA4-related conditions (PMID: 34906470; internal data). ClinVar contains an entry for this variant (Variation ID: 1065733). Algorithms developed to predict the effect of sequence changes on RNA splicing suggest that this variant may disrupt the consensus splice site. For these reasons, this variant has been classified as Pathogenic.

Ocular Genomics Institute, Massachusetts Eye and Ear
Classification: Likely pathogenic for Severe early-childhood-onset retinal dystrophy. Last evaluated: 2021-04-08. Review status: criteria provided, single submitter. Criteria: ACMG Guidelines, 2015. Collection method: research. Allele origin: germline. Affected: yes.
Comment: Through a review of available evidence we were able to apply the following criteria: PVS1, PM2. Based on this evidence we have classified this variant as Likely Pathogenic.

Literature cited by the submitters: PubMed 16199547 (cited by Labcorp Genetics (formerly Invitae), Labcorp); PubMed 10958761 (cited by Labcorp Genetics (formerly Invitae), Labcorp); PubMed 24938718 (cited by Labcorp Genetics (formerly Invitae), Labcorp); PubMed 25312043 (cited by Labcorp Genetics (formerly Invitae), Labcorp); PubMed 26780318 (cited by Labcorp Genetics (formerly Invitae), Labcorp); PubMed 34906470 (cited by Labcorp Genetics (formerly Invitae), Labcorp).